The following is an entry in ClinVar:

NM_001035.3(RYR2):c.12464C>A (p.Ser4155Tyr)

Genes: RYR2 (ryanodine receptor 2; plus strand), LOC126806068 (BRD4-independent group 4 enhancer GRCh37_chr1:237947411-237948610; plus strand). Cytogenetic location: 1q43.
Variant type: single nucleotide variant.
Coding change: c.12464C>A on transcript NM_001035.3 (MANE Select); coding-DNA position 12464, C replaced by A.
Protein change: p.Ser4155Tyr; replaces serine 4155 with tyrosine.
Molecular consequence: missense variant.
Genome position (GRCh38, 1-based): chr1:237,784,176, C>A. VCF-style: chr1-237784176-C-A. GRCh37 (hg19) VCF-style: chr1-237947476-C-A.
Other names: short protein forms S4155Y.
Identifiers: ClinVar variation 1410932 (VCV001410932.7), dbSNP rs2149353940, ClinGen allele CA345413376.
Genomic context (GRCh38, chr1:237,784,176, plus strand): 5'-GCATCGAAATCATGGGAAGCGCCAAACGCATCGAGAGGGTCTATTTTGAAATCAGTGAGT[C>A]CAGCCGAACCCAGTGGGAGAAGCCCCAGGTCAAGGAGTCCAAAAGACAGTTCATATTTGA-3'
Protein context (NP_001026.2, residues 4145-4165): IERVYFEISE[Ser4155Tyr]SRTQWEKPQV

ClinVar aggregate classification (germline): Pathogenic (1 of 4 stars; one submission).

Conditions:
Catecholaminergic polymorphic ventricular tachycardia 1. Also called: RYR2-Related Catecholaminergic Polymorphic Ventricular Tachycardia; VENTRICULAR TACHYCARDIA, STRESS-INDUCED POLYMORPHIC 1; VENTRICULAR TACHYCARDIA, CATECHOLAMINERGIC POLYMORPHIC, 1, WITH OR WITHOUT ATRIAL DYSFUNCTION AND/OR DILATED CARDIOMYOPATHY. Identifiers: Orphanet 3286, MedGen C1631597, MONDO:0011484, OMIM 604772.

Submission:

Labcorp Genetics (formerly Invitae), Labcorp
Classification: Pathogenic for Catecholaminergic polymorphic ventricular tachycardia 1. Last evaluated: 2022-09-04. Review status: criteria provided, single submitter. Criteria: Invitae Variant Classification Sherloc (09022015). Collection method: clinical testing. Allele origin: germline.
Comment: This missense change has been observed in individual(s) with catecholaminergic polymorphic ventricular tachycardia (PMID: 24147812). In at least one individual the variant was observed to be de novo. This variant is not present in population databases (gnomAD no frequency). This sequence change replaces serine, which is neutral and polar, with tyrosine, which is neutral and polar, at codon 4155 of the RYR2 protein (p.Ser4155Tyr). ClinVar contains an entry for this variant (Variation ID: 1410932). For these reasons, this variant has been classified as Pathogenic. Advanced modeling of protein sequence and biophysical properties (such as structural, functional, and spatial information, amino acid conservation, physicochemical variation, residue mobility, and thermodynamic stability) performed at Invitae indicates that this missense variant is expected to disrupt RYR2 protein function.

Literature cited by the submitters: PubMed 24147812.